The following is an entry in ClinVar:

ClinVar aggregate classification (germline): Conflicting classifications of pathogenicity. Review status: criteria provided, conflicting classifications (1 of 4 stars). 4 submissions from 4 submitters: Uncertain significance (1); Likely benign (1). 2 of the submissions do not count toward it. Last evaluated 2025-02-13.

Conditions:
Primary ciliary dyskinesia. Also called: Ciliary dyskinesia. Identifiers: Orphanet 244, MedGen C0008780, MONDO:0016575, HP:0012265.
DNAH5-related disorder. Also called: DNAH5-related condition.

Allele frequency attached by ClinVar (database versions not stated): gnomAD 0.00006; TOPMed 0.00006; gnomAD exomes 0.00002; ExAC 0.00003.
gnomAD v4.1: 63 of 1,613,958 alleles (0.0039%); highest among the groups gnomAD compares: Non-Finnish European, 0.005%; no homozygotes.

Submissions (4):

Labcorp Genetics (formerly Invitae), Labcorp
Classification: Likely benign for Primary ciliary dyskinesia. Last evaluated: 2025-02-13. Review status: criteria provided, single submitter. Criteria: Invitae Variant Classification Sherloc (09022015). Collection method: clinical testing. Allele origin: germline.

Laboratory for Molecular Medicine, Mass General Brigham Personalized Medicine
Classification: Uncertain significance. Last evaluated: 2016-10-13. Review status: criteria provided, single submitter. Criteria: LMM Criteria. Collection method: clinical testing. Allele origin: germline. Observed: 1 variant allele.
Comment: The p.Val1299Phe variant in DNAH5 has not been previously reported in individual s with pulmonary disease, but has been identified in 3/66688 of European chromos omes by the Exome Aggregation Consortium (ExAC; dbSNP rs767853104). Computational prediction tools and conservation analysis sug gest that the p.Val1299Phe variant may impact the protein, though this informati on is not predictive enough to determine pathogenicity. In summary, the clinical significance of the p.Val1299Phe variant is uncertain.

PreventionGenetics, part of Exact Sciences
Classification: Uncertain significance for DNAH5-related condition. Last evaluated: 2024-05-02. Review status: no assertion criteria provided. Collection method: clinical testing. Allele origin: germline. Not counted in ClinVar's aggregate classification.
Comment: The DNAH5 c.3895G>T variant is predicted to result in the amino acid substitution p.Val1299Phe. To our knowledge, this variant has not been reported in the literature. This variant is reported in 0.0040% of alleles in individuals of African descent in gnomAD. At this time, the clinical significance of this variant is uncertain due to the absence of conclusive functional and genetic evidence.

Natera, Inc.
Classification: Uncertain significance for Primary ciliary dyskinesia. Last evaluated: 2019-10-28. Review status: no assertion criteria provided. Collection method: clinical testing. Allele origin: germline. Not counted in ClinVar's aggregate classification.

NM_001369.3(DNAH5):c.3895G>T (p.Val1299Phe)

Genes: DNAH5 (dynein axonemal heavy chain 5; minus strand), DNAH5-AS1 (DNAH5 antisense RNA 1; plus strand). Cytogenetic location: 5p15.2.
Variant type: single nucleotide variant.
Coding change: c.3895G>T on transcript NM_001369.3 (MANE Select); coding-DNA position 3895, G replaced by T.
Protein change: p.Val1299Phe; replaces valine 1299 with phenylalanine.
Molecular consequence: missense variant.
Genome position (GRCh38, 1-based): chr5:13,867,932, C>A on the plus strand (G>T on the coding strand, the complement: DNAH5 is on the minus strand). VCF-style: chr5-13867932-C-A. GRCh37 (hg19) VCF-style: chr5-13868041-C-A.
Other names: short protein forms V1299F.
Identifiers: ClinVar variation 505358 (VCV000505358.11), dbSNP rs767853104, ClinGen allele CA3204138.